The following is an entry in ClinVar:

ClinVar aggregate classification (germline): Pathogenic. Review status: criteria provided, single submitter (1 of 4 stars). 2 submissions from 2 submitters: Pathogenic (1). 1 of the submissions does not count toward it. Last evaluated 2023-02-11.

Conditions:
Brachydactyly-arterial hypertension syndrome. Also called: BILGINTURAN SYNDROME. Identifiers: Orphanet 1276, MedGen C1862170, MONDO:0007211, OMIM 112410.

Submissions (2):

Labcorp Genetics (formerly Invitae), Labcorp
Classification: Pathogenic. Last evaluated: 2023-02-11. Review status: criteria provided, single submitter. Criteria: Invitae Variant Classification Sherloc (09022015). Collection method: clinical testing. Allele origin: germline.
Comment: This sequence change replaces glycine, which is neutral and non-polar, with valine, which is neutral and non-polar, at codon 449 of the PDE3A protein (p.Gly449Val). This variant is not present in population databases (gnomAD no frequency). This missense change has been observed in individual(s) with hypertension and brachydactyly syndrome (PMID: 25961942). It has also been observed to segregate with disease in related individuals. ClinVar contains an entry for this variant (Variation ID: 193025). Algorithms developed to predict the effect of missense changes on protein structure and function (SIFT, PolyPhen-2, Align-GVGD) all suggest that this variant is likely to be disruptive. For these reasons, this variant has been classified as Pathogenic.

OMIM
Classification: Pathogenic for HYPERTENSION AND BRACHYDACTYLY SYNDROME. Last evaluated: 2015-06-01. Review status: no assertion criteria provided. Collection method: literature only. Allele origin: germline. Not counted in ClinVar's aggregate classification.

Literature cited by the submitters: PubMed 25961942 (cited by Labcorp Genetics (formerly Invitae), Labcorp and OMIM).

NM_000921.5(PDE3A):c.1346G>T (p.Gly449Val)

Gene: PDE3A (phosphodiesterase 3A; plus strand). Cytogenetic location: 12p12.2.
Variant type: single nucleotide variant.
Coding change: c.1346G>T on transcript NM_000921.5 (MANE Select); coding-DNA position 1346, G replaced by T.
Protein change: p.Gly449Val; replaces glycine 449 with valine.
Molecular consequence: missense variant.
Genome position (GRCh38, 1-based): chr12:20,616,306, G>T. VCF-style: chr12-20616306-G-T. GRCh37 (hg19) VCF-style: chr12-20769240-G-T.
Other names: c.380G>T, p.Gly127Val (NM_001244683.2, NM_001378409.1); c.1346G>T, p.Gly449Val (NM_001378407.1); c.383G>T, p.Gly128Val (NM_001378408.1); short protein forms G449V, G127V, G128V.
Identifiers: ClinVar variation 193025 (VCV000193025.5), dbSNP rs794726868, ClinGen allele CA200263.